The following is an entry in ClinVar:

ClinVar aggregate classification (germline): Conflicting classifications of pathogenicity. Review status: criteria provided, conflicting classifications (1 of 4 stars). 4 submissions from 3 submitters: Uncertain significance (2); Likely benign (1). 1 of the submissions does not count toward it. Last evaluated 2025-10-23.

Conditions:
Neuronopathy, distal hereditary motor, type 7B. Also called: HMN VIIB; LOWER MOTOR NEURON DISEASE, DYNACTIN TYPE; Distal Hereditary Motor Neuronopathy Type 7B (dHMN7B); NEURONOPATHY, DISTAL HEREDITARY MOTOR, AUTOSOMAL DOMINANT 14; NEURONOPATHY, DISTAL HEREDITARY MOTOR, HARDING TYPE VIIB; NEUROPATHY, DISTAL HEREDITARY MOTOR, HARDING TYPE VIIB. Identifiers: Orphanet 139589, MedGen C1843315, MONDO:0011879, OMIM 607641.
Perry syndrome. Also called: PARKINSONISM WITH ALVEOLAR HYPOVENTILATION AND MENTAL DEPRESSION. Identifiers: Orphanet 178509, MedGen C1868594, MONDO:0008201, OMIM 168605.
DCTN1-related disorder. Also called: DCTN1-related condition.
Amyotrophic lateral sclerosis type 1 (ALS1). Also called: AMYOTROPHIC LATERAL SCLEROSIS 1, FAMILIAL. Identifiers: Orphanet 803, MedGen C1862939, MONDO:0007103, OMIM 105400.

Allele frequency attached by ClinVar (database versions not stated): ExAC 0.00003; TOPMed 0.00003; gnomAD exomes 0.00004 and 0.00006; gnomAD 0.00005.
gnomAD v4.1: 95 of 1,614,026 alleles (0.0059%); highest among the groups gnomAD compares: Non-Finnish European, 0.0073%; no homozygotes.

Submissions (4):

Labcorp Genetics (formerly Invitae), Labcorp
Classification: Likely benign for Amyotrophic lateral sclerosis type 1; Neuronopathy, distal hereditary motor, type 7B; Perry syndrome. Last evaluated: 2025-10-23. Review status: criteria provided, single submitter. Criteria: Invitae Variant Classification Sherloc (09022015). Collection method: clinical testing. Allele origin: germline.

Illumina Laboratory Services, Illumina
Classification: Uncertain significance for Perry syndrome. Last evaluated: 2018-01-13. Review status: criteria provided, single submitter. Criteria: ICSL Variant Classification Criteria 13 December 2019. Collection method: clinical testing. Allele origin: germline.

Illumina Laboratory Services, Illumina
Classification: Uncertain significance for Neuronopathy, distal hereditary motor, type 7B. Last evaluated: 2018-01-13. Review status: criteria provided, single submitter. Criteria: ICSL Variant Classification Criteria 13 December 2019. Collection method: clinical testing. Allele origin: germline.

PreventionGenetics, part of Exact Sciences
Classification: Likely benign for DCTN1-related condition. Last evaluated: 2022-11-17. Review status: no assertion criteria provided. Collection method: clinical testing. Allele origin: germline. Not counted in ClinVar's aggregate classification.
Comment: This variant is classified as likely benign based on ACMG/AMP sequence variant interpretation guidelines (Richards et al. 2015 PMID: 25741868, with internal and published modifications).

NM_004082.5(DCTN1):c.2559C>T (p.Ala853=)

Gene: DCTN1 (dynactin subunit 1; minus strand). Cytogenetic location: 2p13.1.
Variant type: single nucleotide variant.
Coding change: c.2559C>T on transcript NM_004082.5 (MANE Select); coding-DNA position 2559, C replaced by T.
Protein change: p.Ala853=; no amino-acid change (alanine 853 retained).
Molecular consequence: synonymous variant. On other transcripts: non-coding transcript variant (1).
Genome position (GRCh38, 1-based): chr2:74,366,528, G>A on the plus strand (C>T on the coding strand, the complement: DCTN1 is on the minus strand). VCF-style: chr2-74366528-G-A. GRCh37 (hg19) VCF-style: chr2-74593655-G-A.
Other names: c.2499C>T, p.Ala833= (NM_001135040.3); c.2157C>T, p.Ala719= (NM_001135041.3, NM_023019.4); c.2448C>T, p.Ala816= (NM_001190836.2); c.2538C>T, p.Ala846= (NM_001190837.2); c.2508C>T, p.Ala836= (NM_001378991.1); c.2490C>T, p.Ala830= (NM_001378992.1).
Identifiers: ClinVar variation 728350 (VCV000728350.16), dbSNP rs770872113, ClinGen allele CA1721808.